The following is an entry in ClinVar:

ClinVar aggregate classification (germline): Uncertain significance. Review status: criteria provided, multiple submitters, no conflicts (2 of 4 stars). 3 submissions from 3 submitters: Uncertain significance (3). Last evaluated 2026-02-16.

Conditions:
Inborn genetic diseases. Identifiers: MedGen C0950123, MeSH D030342.
ITGB3-related disorder. Also called: ITGB3-related condition.

gnomAD v4.1: 23 of 1,601,482 alleles (0.0014%); highest among the groups gnomAD compares: East Asian, 0.0022%; no homozygotes.

Submissions (3):

PreventionGenetics, part of Exact Sciences
Classification: Uncertain significance for ITGB3-related condition. Last evaluated: 2026-02-16. Review status: criteria provided, single submitter. Criteria: ACMG Guidelines, 2015. Collection method: clinical testing. Allele origin: germline.
Comment: The ITGB3 c.1666C>T variant is predicted to result in the amino acid substitution p.Arg556Cys. To our knowledge, this variant has not been reported in the literature. This variant is reported in 0.0055% of alleles in individuals of East Asian descent in gnomAD. At this time, the clinical significance of this variant is uncertain due to the absence of conclusive functional and genetic evidence.

Ambry Genetics
Classification: Uncertain significance for Inborn genetic diseases. Last evaluated: 2025-02-26. Review status: criteria provided, single submitter. Criteria: Ambry Variant Classification Scheme 2023. Collection method: clinical testing. Allele origin: germline.

Labcorp Genetics (formerly Invitae), Labcorp
Classification: Uncertain significance. Last evaluated: 2024-10-29. Review status: criteria provided, single submitter. Criteria: Invitae Variant Classification Sherloc (09022015). Collection method: clinical testing. Allele origin: germline.
Comment: This sequence change replaces arginine, which is basic and polar, with cysteine, which is neutral and slightly polar, at codon 556 of the ITGB3 protein (p.Arg556Cys). This variant is present in population databases (rs370244559, gnomAD 0.006%). This variant has not been reported in the literature in individuals affected with ITGB3-related conditions. Invitae Evidence Modeling of protein sequence and biophysical properties (such as structural, functional, and spatial information, amino acid conservation, physicochemical variation, residue mobility, and thermodynamic stability) indicates that this missense variant is expected to disrupt ITGB3 protein function with a positive predictive value of 95%. In summary, the available evidence is currently insufficient to determine the role of this variant in disease. Therefore, it has been classified as a Variant of Uncertain Significance.

NM_000212.3(ITGB3):c.1666C>T (p.Arg556Cys)

Gene: ITGB3 (integrin subunit beta 3; plus strand). Cytogenetic location: 17q21.32.
Variant type: single nucleotide variant.
Coding change: c.1666C>T on transcript NM_000212.3 (MANE Select); coding-DNA position 1666, C replaced by T.
Protein change: p.Arg556Cys; replaces arginine 556 with cysteine.
Molecular consequence: missense variant.
Genome position (GRCh38, 1-based): chr17:47,292,544, C>T. VCF-style: chr17-47292544-C-T. GRCh37 (hg19) VCF-style: chr17-45369910-C-T.
Other names: short protein forms R556C.
Identifiers: ClinVar variation 3710044 (VCV003710044.4).
Genomic context (GRCh38, chr17:47,292,544, plus strand): 5'-AGCAGTGACTTTGGCAAGATCACGGGCAAGTACTGCGAGTGTGACGACTTCTCCTGTGTC[C>T]GCTACAAGGGGGAGATGTGCTCAGGTGAGGAGAACTGCAGGGCCCCCTGTCCTGGAACCC-3'
Protein context (NP_000203.2, residues 546-566): YCECDDFSCV[Arg556Cys]YKGEMCSGHG